The following is an entry in ClinVar:

ClinVar aggregate classification (germline): Pathogenic. Review status: criteria provided, multiple submitters, no conflicts (2 of 4 stars). 2 submissions from 2 submitters: Pathogenic (2). Last evaluated 2024-11-13.

Conditions:
Hereditary cancer-predisposing syndrome. Also called: Hereditary Cancer Syndrome; Neoplastic Syndromes, Hereditary; Hereditary neoplastic syndrome; Tumor predisposition. Identifiers: Orphanet 140162, MedGen C0027672, MeSH D009386, MONDO:0015356.

Submissions (2):

Labcorp Genetics (formerly Invitae), Labcorp
Classification: Pathogenic. Last evaluated: 2024-11-13. Review status: criteria provided, single submitter. Criteria: Invitae Variant Classification Sherloc (09022015). Collection method: clinical testing. Allele origin: germline.
Comment: This sequence change creates a premature translational stop signal (p.Ile269Serfs*15) in the FH gene. It is expected to result in an absent or disrupted protein product. Loss-of-function variants in FH are known to be pathogenic (PMID: 11865300, 21398687). This variant is not present in population databases (gnomAD no frequency). This premature translational stop signal has been observed in individual(s) with clinical features of hereditary leiomyomatosis and renal cell cancer (internal data). ClinVar contains an entry for this variant (Variation ID: 429167). For these reasons, this variant has been classified as Pathogenic.

Ambry Genetics
Classification: Pathogenic for Hereditary cancer-predisposing syndrome. Last evaluated: 2014-08-20. Review status: criteria provided, single submitter. Criteria: Ambry Variant Classification Scheme 2023. Collection method: clinical testing. Allele origin: germline.
Comment: The c.805delA pathogenic mutation, located in coding exon 6 of the FH gene, results from a deletion of one nucleotide at nucleotide position 805, causing a translational frameshift with a predicted alternate stop codon. Since frameshifts are typically deleterious in nature, this alteration is interpreted as a disease-causing mutation (ACMG Recommendations for Standards for Interpretation and Reporting of Sequence Variations. Revision 2007. Genet Med. 2008;10:294).

Literature cited by the submitters: PubMed 11865300 (cited by Labcorp Genetics (formerly Invitae), Labcorp); PubMed 21398687 (cited by Labcorp Genetics (formerly Invitae), Labcorp).

NM_000143.4(FH):c.805del (p.Ile269fs)

Gene: FH (fumarate hydratase; minus strand). Cytogenetic location: 1q43.
Variant type: Deletion.
Coding change: c.805del on transcript NM_000143.4 (MANE Select); coding-DNA position 805, one base deleted (A; older notation c.805delA).
Protein change: p.Ile269fs; shifts the reading frame from isoleucine 269.
Molecular consequence: frameshift variant.
Genome position (GRCh38, 1-based): chr1:241,506,102, T deleted on the plus strand (A on the coding strand, the reverse complement: FH is on the minus strand); the first of 2 consecutive T bases (chr1:241,506,102-241,506,103); deleting either gives the same sequence. VCF-style (leftmost placement, unchanged base first): chr1-241506101-AT-A. GRCh37 (hg19) VCF-style: chr1-241669401-AT-A.
Other names: c.805delA (NM_000143.3); short protein forms I269fs.
Identifiers: ClinVar variation 429167 (VCV000429167.15), dbSNP rs1131691234, ClinGen allele CA645369176.
Genomic context (GRCh38, chr1:241,506,101, plus strand): 5'-AAGCCAATTCTAGTATTTAAACCTGTACCAACAGCAGTGCCTCCAGCTGCGAGCTCATAG[AT>A]TCTTGGCATGGCAGCTTTTATTCTTGTCATTGCATATTTTACTTGTTGAACATAACCACT-3'